The following is an entry in ClinVar:

ClinVar aggregate classification (germline): Pathogenic (1 of 4 stars; one submission).

Conditions:
Hypercholesterolemia, autosomal dominant, type B (FHCL2). Also called: APOB-Related Familial Hypercholesterolemia, Autosomal Dominant; Familial Hypercholesterolemia Type B; APOLIPOPROTEIN B-100, FAMILIAL DEFECTIVE; APOLIPOPROTEIN B-100, FAMILIAL LIGAND-DEFECTIVE; HYPERCHOLESTEROLEMIA, FAMILIAL, DUE TO LIGAND-DEFECTIVE APOLIPOPROTEIN B; Hyperlipoproteinemia Type IIb. Identifiers: MedGen C1704417, MONDO:0007751, OMIM 144010.
Familial hypobetalipoproteinemia 1. Also called: Hypobetalipoproteinemia, normotriglyceridemic; Acanthocytosis with hypobetalipoproteinemia; APOB-Related Familial Hypobetalipoproteinemia. Identifiers: MedGen C4551990, MONDO:0014252, OMIM 615558.

Allele frequency attached by ClinVar (database versions not stated): gnomAD exomes below 0.00001.
gnomAD v4.1: 2 of 1,614,058 alleles (0.00012%); highest among the groups gnomAD compares: Non-Finnish European, 0.00017%; no homozygotes.

Submission:

Labcorp Genetics (formerly Invitae), Labcorp
Classification: Pathogenic for Familial hypobetalipoproteinemia 1; Hypercholesterolemia, autosomal dominant, type B. Last evaluated: 2024-03-01. Review status: criteria provided, single submitter. Criteria: Invitae Variant Classification Sherloc (09022015). Collection method: clinical testing. Allele origin: germline.
Comment: This sequence change creates a premature translational stop signal (p.Gln3757*) in the APOB gene. It is expected to result in an absent or disrupted protein product. Loss-of-function variants in APOB are known to be pathogenic (PMID: 20032471). This variant is not present in population databases (gnomAD no frequency). This variant has not been reported in the literature in individuals affected with APOB-related conditions. For these reasons, this variant has been classified as Pathogenic.

Literature cited by the submitters: PubMed 20032471.

NM_000384.3(APOB):c.11269C>T (p.Gln3757Ter)

Gene: APOB (apolipoprotein B; minus strand). Cytogenetic location: 2p24.1.
Variant type: single nucleotide variant.
Coding change: c.11269C>T on transcript NM_000384.3 (MANE Select); coding-DNA position 11269, C replaced by T.
Protein change: p.Gln3757Ter; replaces glutamine 3757 with a stop codon.
Molecular consequence: nonsense.
Genome position (GRCh38, 1-based): chr2:21,005,599, G>A on the plus strand (C>T on the coding strand, the complement: APOB is on the minus strand). VCF-style: chr2-21005599-G-A. GRCh37 (hg19) VCF-style: chr2-21228471-G-A.
Other names: short protein forms Q3757*.
Identifiers: ClinVar variation 2953129 (VCV002953129.3), dbSNP rs2465357289, ClinGen allele CA345980170.
Genomic context (GRCh38, chr2:21,005,599, plus strand): 5'-AAGTTCTCAGCTTCTTATAGATTTGTATTTCTCTGAAGTCAAGTTTGCACGATGGAACCT[G>A]AAGATCTGTAAATGGGACATGGAACGTAGGCATGACAAGAACTGAATTTAGATCATTTAG-3'